The following is an entry in ClinVar:

NM_004958.4(MTOR):c.4399A>T (p.Met1467Leu)

Gene: MTOR (mechanistic target of rapamycin kinase; minus strand). Cytogenetic location: 1p36.22.
Variant type: single nucleotide variant.
Coding change: c.4399A>T on transcript NM_004958.4 (MANE Select); coding-DNA position 4399, A replaced by T.
Protein change: p.Met1467Leu; replaces methionine 1467 with leucine.
Molecular consequence: missense variant.
Genome position (GRCh38, 1-based): chr1:11,157,222, T>A on the plus strand (A>T on the coding strand, the complement: MTOR is on the minus strand). VCF-style: chr1-11157222-T-A. GRCh37 (hg19) VCF-style: chr1-11217279-T-A.
Other names: c.4399A>T, p.Met1467Leu (NM_001386500.1); c.3151A>T, p.Met1051Leu (NM_001386501.1); short protein forms M1051L, M1467L.
Identifiers: ClinVar variation 1720164 (VCV001720164.5), dbSNP rs201769627, ClinGen allele CA338371829.

ClinVar aggregate classification (germline): Uncertain significance (1 of 4 stars; one submission).

Allele frequency attached by ClinVar (database versions not stated): gnomAD exomes below 0.00001.

Submission:

Labcorp Genetics (formerly Invitae), Labcorp
Classification: Uncertain significance. Last evaluated: 2022-07-20. Review status: criteria provided, single submitter. Criteria: Invitae Variant Classification Sherloc (09022015). Collection method: clinical testing. Allele origin: germline.
Comment: In summary, the available evidence is currently insufficient to determine the role of this variant in disease. Therefore, it has been classified as a Variant of Uncertain Significance. Advanced modeling of protein sequence and biophysical properties (such as structural, functional, and spatial information, amino acid conservation, physicochemical variation, residue mobility, and thermodynamic stability) performed at Invitae indicates that this missense variant is not expected to disrupt MTOR protein function. This variant has not been reported in the literature in individuals affected with MTOR-related conditions. This variant is present in population databases (no rsID available, gnomAD 0.0009%). This sequence change replaces methionine, which is neutral and non-polar, with leucine, which is neutral and non-polar, at codon 1467 of the MTOR protein (p.Met1467Leu).